The following is an entry in ClinVar:

ClinVar aggregate classification (germline): Uncertain significance (1 of 4 stars; one submission).

Conditions:
Cardiovascular phenotype. Identifiers: MedGen CN230736.

Submission:

Ambry Genetics
Classification: Uncertain significance for Cardiovascular phenotype. Last evaluated: 2025-04-30. Review status: criteria provided, single submitter. Criteria: Ambry Variant Classification Scheme 2023. Collection method: clinical testing. Allele origin: germline.
Comment: The p.A1111V variant (also known as c.3332C>T), located in coding exon 22 of the VCL gene, results from a C to T substitution at nucleotide position 3332. The alanine at codon 1111 is replaced by valine, an amino acid with similar properties. This amino acid position is conserved. In addition, the in silico prediction for this alteration is inconclusive. Based on the available evidence, the clinical significance of this variant remains unclear.

NM_014000.3(VCL):c.3332C>T (p.Ala1111Val)

Gene: VCL (vinculin; plus strand). Cytogenetic location: 10q22.2.
Variant type: single nucleotide variant.
Coding change: c.3332C>T on transcript NM_014000.3 (MANE Select); coding-DNA position 3332, C replaced by T.
Protein change: p.Ala1111Val; replaces alanine 1111 with valine.
Molecular consequence: missense variant.
Genome position (GRCh38, 1-based): chr10:74,118,096, C>T. VCF-style: chr10-74118096-C-T. GRCh37 (hg19) VCF-style: chr10-75877854-C-T.
Other names: c.3128C>T, p.Ala1043Val (NM_003373.4); short protein forms A1111V, A1043V.
Identifiers: ClinVar variation 3979534 (VCV003979534.1).